The following is an entry in ClinVar:

ClinVar aggregate classification (germline): Likely benign. Review status: criteria provided, multiple submitters, no conflicts (2 of 4 stars). 2 submissions from 2 submitters: Likely benign (2). Last evaluated 2023-09-18.

Conditions:
Charcot-Marie-Tooth disease axonal type 2O. Also called: Charcot-Marie-Tooth Neuropathy Type 2O; Charcot-Marie-Tooth disease, axonal, type 20; CHARCOT-MARIE-TOOTH NEUROPATHY, AXONAL, TYPE 2O; CHARCOT-MARIE-TOOTH DISEASE, AXONAL, AUTOSOMAL DOMINANT, TYPE 2O. Identifiers: Orphanet 284232, MedGen C3280220, MONDO:0013644, OMIM 614228.

Allele frequency attached by ClinVar (database versions not stated): gnomAD exomes below 0.00001.
gnomAD v4.1: 1 of 1,614,222 alleles (0.000062%); highest among the groups gnomAD compares: Non-Finnish European, 0.000085%; no homozygotes.

Submissions (2):

Labcorp Genetics (formerly Invitae), Labcorp
Classification: Likely benign for Charcot-Marie-Tooth disease axonal type 2O. Last evaluated: 2023-09-18. Review status: criteria provided, single submitter. Criteria: Invitae Variant Classification Sherloc (09022015). Collection method: clinical testing. Allele origin: germline.

GeneDx
Classification: Likely benign. Last evaluated: 2017-09-19. Review status: criteria provided, single submitter. Criteria: GeneDx Variant Classification (06012015). Collection method: clinical testing. Allele origin: germline. Affected: yes.
Comment: This variant is considered likely benign or benign based on one or more of the following criteria: it is a conservative change, it occurs at a poorly conserved position in the protein, it is predicted to be benign by multiple in silico algorithms, and/or has population frequency not consistent with disease.

NM_001376.5(DYNC1H1):c.5067T>A (p.Pro1689=)

Gene: DYNC1H1 (dynein cytoplasmic 1 heavy chain 1; plus strand). Cytogenetic location: 14q32.31.
Variant type: single nucleotide variant.
Coding change: c.5067T>A on transcript NM_001376.5 (MANE Select); coding-DNA position 5067, T replaced by A.
Protein change: p.Pro1689=; no amino-acid change (proline 1689 retained).
Molecular consequence: synonymous variant.
Genome position (GRCh38, 1-based): chr14:102,004,779, T>A. VCF-style: chr14-102004779-T-A. GRCh37 (hg19) VCF-style: chr14-102471116-T-A.
Identifiers: ClinVar variation 512172 (VCV000512172.4), dbSNP rs1195286511, ClinGen allele CA488184279.
Genomic context (GRCh38, chr14:102,004,779, plus strand): 5'-ACATTTTTGCATACCTCATTTCTTAAAATTGTATTTATTTCAGGTTATGTTTAAAACTCC[T>A]GTGTCAATTACTGAACATCCCAAAATCAATGAGTGGCTCACATTGGTAGAAAAGGAGATG-3'
Protein context (NP_001367.2, residues 1679-1699): REGEEVMFKT[Pro1689=]VSITEHPKIN